The following is an entry in ClinVar:

ClinVar aggregate classification (germline): Likely benign (1 of 4 stars; one submission).

Conditions:
Glucocorticoid deficiency 1 (GCCD1). Also called: FAMILIAL GLUCOCORTICOID DEFICIENCY 1; Adrenal unresponsiveness to acth; Glucocorticoid deficiency, due to ACTH unresponsiveness. Identifiers: Orphanet 361, MedGen C4049650, MONDO:0024536, OMIM 202200.

Allele frequency attached by ClinVar (database versions not stated): 1000 Genomes Project 30x 0.00531; 1000 Genomes Project 0.00559; gnomAD 0.01156 and 0.01192; gnomAD exomes 0.01169; TOPMed 0.01254.
gnomAD v4.1: 2,926 of 251,542 alleles (1.2%); highest among the groups gnomAD compares: Non-Finnish European, 1.8%; 26 homozygotes.

Submission:

Illumina Laboratory Services, Illumina
Classification: Likely benign for Glucocorticoid deficiency 1. Last evaluated: 2018-01-13. Review status: criteria provided, single submitter. Criteria: ICSL Variant Classification Criteria 13 December 2019. Collection method: clinical testing. Allele origin: germline.
Comment: This variant was observed in the ICSL laboratory as part of a predisposition screen in an ostensibly healthy population. It had not been previously curated by ICSL or reported in the Human Gene Mutation Database (HGMD: prior to June 1st, 2018), and was therefore a candidate for classification through an automated scoring system. Utilizing variant allele frequency, disease prevalence and penetrance estimates, and inheritance mode, an automated score was calculated to assess if this variant is too frequent to cause the disease. Based on the score and internal cut-off values, a variant classified as likely benign is not then subjected to further curation. The score for this variant resulted in a classification of likely benign for this disease.

NM_000529.2(MC2R):c.*427G>A

Gene: MC2R (melanocortin 2 receptor; minus strand). Cytogenetic location: 18p11.21.
Variant type: single nucleotide variant.
Coding change: c.*427G>A on transcript NM_000529.2 (MANE Select); 427 bases downstream of the stop codon, G replaced by A.
Molecular consequence: 3 prime UTR variant.
Genome position (GRCh38, 1-based): chr18:13,884,198, C>T on the plus strand (G>A on the coding strand, the complement: MC2R is on the minus strand). VCF-style: chr18-13884198-C-T. GRCh37 (hg19) VCF-style: chr18-13884197-C-T.
Other names: c.*427G>A (NM_001291911.1).
Identifiers: ClinVar variation 326182 (VCV000326182.5), dbSNP rs150928586, ClinGen allele CA10647249.